The following is an entry in ClinVar:

ClinVar aggregate classification (germline): Likely benign (1 of 4 stars; one submission).

gnomAD v4.1: 975 of 1,545,502 alleles (0.063%); highest among the groups gnomAD compares: African/African-American, 1.1%; 5 homozygotes.

Submission:

CeGaT Center for Human Genetics Tuebingen
Classification: Likely benign. Last evaluated: 2026-07-01. Review status: criteria provided, single submitter. Criteria: CeGaT Center For Human Genetics Tuebingen Variant Classification Criteria Version 2. Collection method: clinical testing. Allele origin: germline. Affected: yes. Observed: 1 variant allele.
Comment: KIF26A: BP4, BS1

NM_015656.2(KIF26A):c.5513C>T (p.Ala1838Val)

Gene: KIF26A (kinesin family member 26A; plus strand). Cytogenetic location: 14q32.33.
Variant type: single nucleotide variant.
Coding change: c.5513C>T on transcript NM_015656.2 (MANE Select); coding-DNA position 5513, C replaced by T.
Protein change: p.Ala1838Val; replaces alanine 1838 with valine.
Molecular consequence: missense variant.
Genome position (GRCh38, 1-based): chr14:104,179,654, C>T. VCF-style: chr14-104179654-C-T. GRCh37 (hg19) VCF-style: chr14-104645991-C-T.
Other names: short protein forms A1838V.
Identifiers: ClinVar variation 5038971 (VCV005038971.1).